The following is an entry in ClinVar:

ClinVar aggregate classification (germline): Uncertain significance (1 of 4 stars; one submission).

Allele frequency attached by ClinVar (database versions not stated): 1000 Genomes Project 30x 0.00016; 1000 Genomes Project 0.00020.
gnomAD v4.1: 21 of 1,614,124 alleles (0.0013%); highest among the groups gnomAD compares: Admixed American, 0.022%; no homozygotes.

Submission:

Labcorp Genetics (formerly Invitae), Labcorp
Classification: Uncertain significance. Last evaluated: 2025-05-05. Review status: criteria provided, single submitter. Criteria: Invitae Variant Classification Sherloc (09022015). Collection method: clinical testing. Allele origin: germline.
Comment: This sequence change replaces threonine, which is neutral and polar, with arginine, which is basic and polar, at codon 522 of the MMP14 protein (p.Thr522Arg). This variant is present in population databases (rs150346850, gnomAD 0.02%). This variant has not been reported in the literature in individuals affected with MMP14-related conditions. ClinVar contains an entry for this variant (Variation ID: 2086076). An algorithm developed to predict the effect of missense changes on protein structure and function (PolyPhen-2) suggests that this variant is likely to be tolerated. In summary, the available evidence is currently insufficient to determine the role of this variant in disease. Therefore, it has been classified as a Variant of Uncertain Significance.

NM_004995.4(MMP14):c.1565C>G (p.Thr522Arg)

Gene: MMP14 (matrix metallopeptidase 14; plus strand). Cytogenetic location: 14q11.2.
Variant type: single nucleotide variant.
Coding change: c.1565C>G on transcript NM_004995.4 (MANE Select); coding-DNA position 1565, C replaced by G.
Protein change: p.Thr522Arg; replaces threonine 522 with arginine.
Molecular consequence: missense variant.
Genome position (GRCh38, 1-based): chr14:22,845,855, C>G. VCF-style: chr14-22845855-C-G. GRCh37 (hg19) VCF-style: chr14-23315064-C-G.
Other names: short protein forms T522R.
Identifiers: ClinVar variation 2086076 (VCV002086076.4), dbSNP rs150346850, ClinGen allele CA7105510.